The following is an entry in ClinVar:

ClinVar aggregate classification (germline): Benign (1 of 4 stars; one submission).

Allele frequency attached by ClinVar (database versions not stated): 1000 Genomes Project 30x 0.84400; 1000 Genomes Project 0.85124; TOPMed 0.87599; gnomAD 0.89377 and 0.89625.
gnomAD v4.1: 136,085 of 152,198 alleles (89%); highest among the groups gnomAD compares: Non-Finnish European, 93%; 61,123 homozygotes.

Submission:

GeneDx
Classification: Benign. Last evaluated: 2018-06-14. Review status: criteria provided, single submitter. Criteria: GeneDx Variant Classification (06012015). Collection method: clinical testing. Allele origin: germline. Affected: yes.
Comment: This variant is considered likely benign or benign based on one or more of the following criteria: it is a conservative change, it occurs at a poorly conserved position in the protein, it is predicted to be benign by multiple in silico algorithms, and/or has population frequency not consistent with disease.

NM_002291.3(LAMB1):c.1563-280G>A

Gene: LAMB1 (laminin subunit beta 1; minus strand). Cytogenetic location: 7q31.1.
Variant type: single nucleotide variant.
Coding change: c.1563-280G>A on transcript NM_002291.3 (MANE Select); 280 bases into the intron before coding-DNA position 1563, G replaced by A.
Molecular consequence: intron variant.
Genome position (GRCh38, 1-based): chr7:107,964,967, C>T on the plus strand (G>A on the coding strand, the complement: LAMB1 is on the minus strand). VCF-style: chr7-107964967-C-T. GRCh37 (hg19) VCF-style: chr7-107605412-C-T.
Identifiers: ClinVar variation 681222 (VCV000681222.1), dbSNP rs7789846, ClinGen allele CA12653145.
Genomic context (GRCh38, chr7:107,964,967, plus strand): 5'-CTTGCCCTCTCTTGACTAACACGCCGTCCGCATCACATGAAGGTTTTCCACATCCCAAAC[C>T]TTCTTGCTTTGGCATGTTACATCTTTTGCTTATTTCCTGAGATTTAGGCTCAAATATCCA-3'